The following is an entry in ClinVar:

NM_000492.4(CFTR):c.1928A>G (p.Lys643Arg)

Gene: CFTR (CF transmembrane conductance regulator; plus strand). Cytogenetic location: 7q31.2.
Variant type: single nucleotide variant.
Coding change: c.1928A>G on transcript NM_000492.4 (MANE Select); coding-DNA position 1928, A replaced by G.
Protein change: p.Lys643Arg; replaces lysine 643 with arginine.
Molecular consequence: missense variant.
Genome position (GRCh38, 1-based): chr7:117,592,095, A>G. VCF-style: chr7-117592095-A-G. GRCh37 (hg19) VCF-style: chr7-117232149-A-G.
Other names: short protein forms K643R.
Identifiers: ClinVar variation 426891 (VCV000426891.3), dbSNP rs1085307844, ClinGen allele CA368978853.

ClinVar aggregate classification (germline): Uncertain significance. Review status: criteria provided, single submitter (1 of 4 stars). 2 submissions from 2 submitters: Uncertain significance (1). 1 of the submissions does not count toward it. Last evaluated 2017-03-29.

Conditions:
CFTR-related disorder (CFTR-RD). Also called: CFTR-related disorders; CFTR-related condition. Identifiers: MedGen C5924204, MONDO:7770004.

Submissions (2):

GeneDx
Classification: Uncertain significance. Last evaluated: 2017-03-29. Review status: criteria provided, single submitter. Criteria: GeneDx Variant Classification (06012015). Collection method: clinical testing. Allele origin: germline. Affected: yes.
Comment: The K643R variant in the CFTR gene has not been reported previously as a pathogenic variant, nor as a benign variant, to our knowledge. The K643R variant is not observed in large population cohorts (Lek et al., 2016; 1000 Genomes Consortium et al., 2015; Exome Variant Server). The K643R variant is a conservative amino acid substitution, which is not likely to impact secondary protein structure as these residues share similar properties. This substitution occurs at a position that is not conserved, and in silico analysis is inconsistent in its predictions as to whether or not the variant is damaging to the protein structure/function. We interpret K643R as a variant of uncertain significance.

Natera, Inc.
Classification: Uncertain significance for CFTR-related disorders. Last evaluated: 2018-04-30. Review status: no assertion criteria provided. Collection method: clinical testing. Allele origin: germline. Not counted in ClinVar's aggregate classification.